The following is an entry in ClinVar:

ClinVar aggregate classification (germline): Benign/Likely benign. Review status: criteria provided, multiple submitters, no conflicts (2 of 4 stars). 4 submissions from 4 submitters: Benign (1); Likely benign (3). Last evaluated 2025-08-01.

Conditions:
Cerebellar dysfunction with variable cognitive and behavioral abnormalities (CECBA). Also called: Nonprogressive cerebellar atxia with intellectual disability. Identifiers: Orphanet 314647, MedGen C3553661, MONDO:0013886, OMIM 614756.
Inborn genetic diseases. Identifiers: MedGen C0950123, MeSH D030342.

Allele frequency attached by ClinVar (database versions not stated): gnomAD exomes 0.00004; TOPMed 0.00012; gnomAD 0.00013; 1000 Genomes Project 0.00040; 1000 Genomes Project 30x 0.00047.
gnomAD v4.1: 141 of 1,612,946 alleles (0.0087%); highest among the groups gnomAD compares: East Asian, 0.16%; 3 homozygotes.

Submissions (4):

CeGaT Center for Human Genetics Tuebingen
Classification: Likely benign. Last evaluated: 2025-08-01. Review status: criteria provided, single submitter. Criteria: CeGaT Center For Human Genetics Tuebingen Variant Classification Criteria Version 2. Collection method: clinical testing. Allele origin: germline. Affected: yes. Observed: 1 variant allele.
Comment: CAMTA1: BS1

Ambry Genetics
Classification: Likely benign for Inborn genetic diseases. Last evaluated: 2023-10-10. Review status: criteria provided, single submitter. Criteria: Ambry Variant Classification Scheme 2023. Collection method: clinical testing. Allele origin: germline.

Labcorp Genetics (formerly Invitae), Labcorp
Classification: Benign. Last evaluated: 2023-10-03. Review status: criteria provided, single submitter. Criteria: Invitae Variant Classification Sherloc (09022015). Collection method: clinical testing. Allele origin: germline.

Department of Pathology and Laboratory Medicine, Sinai Health System
Classification: Likely benign for cerebellar dysfunction with variable cognitive and behavioral abnormalities. Last evaluated: 2021-12-01. Review status: criteria provided, single submitter. Criteria: ACMG Guidelines, 2015. Collection method: research. Allele origin: germline.

NM_015215.4(CAMTA1):c.1612T>A (p.Ser538Thr)

Gene: CAMTA1 (calmodulin binding transcription activator 1; plus strand). Cytogenetic location: 1p36.23.
Variant type: single nucleotide variant.
Coding change: c.1612T>A on transcript NM_015215.4 (MANE Select); coding-DNA position 1612, T replaced by A.
Protein change: p.Ser538Thr; replaces serine 538 with threonine.
Molecular consequence: missense variant.
Genome position (GRCh38, 1-based): chr1:7,664,159, T>A. VCF-style: chr1-7664159-T-A. GRCh37 (hg19) VCF-style: chr1-7724219-T-A.
Other names: c.1522T>A, p.Ser508Thr (NM_001349608.2, NM_001349612.2); c.1612T>A, p.Ser538Thr (NM_001349609.2, NM_001349610.2); c.1612T>A (NM_015215.2); short protein forms S508T, S538T.
Identifiers: ClinVar variation 732186 (VCV000732186.18), dbSNP rs187356858, ClinGen allele CA566473.